The following is an entry in ClinVar:

ClinVar aggregate classification (germline): Uncertain significance (1 of 4 stars; one submission).

Allele frequency attached by ClinVar (database versions not stated): gnomAD exomes 0.00001; ExAC 0.00002; gnomAD 0.00003 and 0.00004; TOPMed 0.00005; ESP Exome Variant Server 0.00008.
gnomAD v4.1: 14 of 1,614,018 alleles (0.00087%); highest among the groups gnomAD compares: African/African-American, 0.012%; no homozygotes.

Submission:

Labcorp Genetics (formerly Invitae), Labcorp
Classification: Uncertain significance. Last evaluated: 2025-02-03. Review status: criteria provided, single submitter. Criteria: Invitae Variant Classification Sherloc (09022015). Collection method: clinical testing. Allele origin: germline.
Comment: This sequence change replaces isoleucine, which is neutral and non-polar, with valine, which is neutral and non-polar, at codon 392 of the PDE6C protein (p.Ile392Val). This variant is present in population databases (rs141384587, gnomAD 0.01%). This variant has not been reported in the literature in individuals affected with PDE6C-related conditions. ClinVar contains an entry for this variant (Variation ID: 1004017). Invitae Evidence Modeling of protein sequence and biophysical properties (such as structural, functional, and spatial information, amino acid conservation, physicochemical variation, residue mobility, and thermodynamic stability) has been performed for this missense variant. However, the output from this modeling did not meet the statistical confidence thresholds required to predict the impact of this variant on PDE6C protein function. In summary, the available evidence is currently insufficient to determine the role of this variant in disease. Therefore, it has been classified as a Variant of Uncertain Significance.

NM_006204.4(PDE6C):c.1174A>G (p.Ile392Val)

Gene: PDE6C (phosphodiesterase 6C; plus strand). Cytogenetic location: 10q23.33.
Variant type: single nucleotide variant.
Coding change: c.1174A>G on transcript NM_006204.4 (MANE Select); coding-DNA position 1174, A replaced by G.
Protein change: p.Ile392Val; replaces isoleucine 392 with valine.
Molecular consequence: missense variant.
Genome position (GRCh38, 1-based): chr10:93,634,812, A>G. VCF-style: chr10-93634812-A-G. GRCh37 (hg19) VCF-style: chr10-95394569-A-G.
Other names: short protein forms I392V.
Identifiers: ClinVar variation 1004017 (VCV001004017.10), dbSNP rs141384587, ClinGen allele CA5610106.